The following is an entry in ClinVar:

ClinVar aggregate classification (germline): Uncertain significance. Review status: criteria provided, multiple submitters, no conflicts (2 of 4 stars). 2 submissions from 2 submitters: Uncertain significance (2). Last evaluated 2025-08-25.

Conditions:
KBG syndrome (KBGS). Also called: ANKRD11-Related KBG Syndrome. Identifiers: Orphanet 2332, MedGen C0220687, MONDO:0007846, OMIM 148050.
Inborn genetic diseases. Identifiers: MedGen C0950123, MeSH D030342.

gnomAD v4.1: 23 of 1,613,414 alleles (0.0014%); highest among the groups gnomAD compares: East Asian, 0.0022%; no homozygotes.

Submissions (2):

Labcorp Genetics (formerly Invitae), Labcorp
Classification: Uncertain significance for KBG syndrome. Last evaluated: 2025-08-25. Review status: criteria provided, single submitter. Criteria: Invitae Variant Classification Sherloc (09022015). Collection method: clinical testing. Allele origin: germline.
Comment: This sequence change replaces isoleucine, which is neutral and non-polar, with methionine, which is neutral and non-polar, at codon 721 of the ANKRD11 protein (p.Ile721Met). This variant is present in population databases (rs139134429, gnomAD 0.002%). This variant has not been reported in the literature in individuals affected with ANKRD11-related conditions. ClinVar contains an entry for this variant (Variation ID: 3866303). Invitae Evidence Modeling of protein sequence and biophysical properties (such as structural, functional, and spatial information, amino acid conservation, physicochemical variation, residue mobility, and thermodynamic stability) indicates that this missense variant is not expected to disrupt ANKRD11 protein function with a negative predictive value of 95%. In summary, the available evidence is currently insufficient to determine the role of this variant in disease. Therefore, it has been classified as a Variant of Uncertain Significance.

Ambry Genetics
Classification: Uncertain significance for Inborn genetic diseases. Last evaluated: 2025-02-18. Review status: criteria provided, single submitter. Criteria: Ambry Variant Classification Scheme 2023. Collection method: clinical testing. Allele origin: germline.

NM_013275.6(ANKRD11):c.2163C>G (p.Ile721Met)

Gene: ANKRD11 (ankyrin repeat domain 11; minus strand). Cytogenetic location: 16q24.3.
Variant type: single nucleotide variant.
Coding change: c.2163C>G on transcript NM_013275.6 (MANE Select); coding-DNA position 2163, C replaced by G.
Protein change: p.Ile721Met; replaces isoleucine 721 with methionine.
Molecular consequence: missense variant.
Genome position (GRCh38, 1-based): chr16:89,284,379, G>C on the plus strand (C>G on the coding strand, the complement: ANKRD11 is on the minus strand). VCF-style: chr16-89284379-G-C. GRCh37 (hg19) VCF-style: chr16-89350787-G-C.
Other names: c.2163C>G, p.Ile721Met (NM_001256182.2, NM_001256183.2); short protein forms I721M.
Identifiers: ClinVar variation 3866303 (VCV003866303.2).